The following is an entry in ClinVar:

NM_006269.2(RP1):c.688G>T (p.Gly230Ter)

Gene: RP1 (RP1 axonemal microtubule associated; plus strand). Cytogenetic location: 8q12.1.
Variant type: single nucleotide variant.
Coding change: c.688G>T on transcript NM_006269.2 (MANE Select); coding-DNA position 688, G replaced by T.
Protein change: p.Gly230Ter; replaces glycine 230 with a stop codon.
Molecular consequence: nonsense.
Genome position (GRCh38, 1-based): chr8:54,622,189, G>T. VCF-style: chr8-54622189-G-T. GRCh37 (hg19) VCF-style: chr8-55534749-G-T.
Other names: c.688G>T, p.Gly230Ter (NM_001375654.1); short protein forms G230*.
Identifiers: ClinVar variation 812399 (VCV000812399.3), dbSNP rs1585559122, ClinGen allele CA370988015.

ClinVar aggregate classification (germline): Pathogenic. Review status: criteria provided, single submitter (1 of 4 stars). 2 submissions from 2 submitters: Pathogenic (1). 1 of the submissions does not count toward it. Last evaluated 2021-04-01.

Conditions:
Retinitis pigmentosa (RP). Identifiers: Orphanet 791, MedGen C0035334, MeSH D012174, MONDO:0019200, OMIM 268000. Inheritance: Autosomal dominant, autosomal recessive and X linked inheritance.

Submissions (2):

Broad Center for Mendelian Genomics, Broad Institute of MIT and Harvard
Classification: Pathogenic for Retinitis pigmentosa. Last evaluated: 2021-04-01. Review status: criteria provided, single submitter. Criteria: ACMG Guidelines, 2015. Collection method: curation. Allele origin: germline. Inheritance: Autosomal recessive inheritance. Affected: yes.
Comment: Through a review of available evidence we were able to apply the following criteria: PVS1, PM2, PM3-P. Based on this evidence we have classified this variant as Pathogenic. If you have any questions about the classification please reach out to the Pierce Lab.

Sharon lab, Hadassah-Hebrew University Medical Center
Classification: Pathogenic for Retinitis pigmentosa. Last evaluated: 2019-06-23. Review status: no assertion criteria provided. Collection method: research. Allele origin: inherited. Affected: yes. Not counted in ClinVar's aggregate classification.

Literature cited by the submitters: PubMed 34906470 (cited by Broad Center for Mendelian Genomics, Broad Institute of MIT and Harvard); PubMed 26306921 (cited by Broad Center for Mendelian Genomics, Broad Institute of MIT and Harvard); PubMed 31456290 (cited by Broad Center for Mendelian Genomics, Broad Institute of MIT and Harvard).